The following is an entry in ClinVar:

ClinVar aggregate classification (germline): Uncertain significance (1 of 4 stars; one submission).

Submission:

Labcorp Genetics (formerly Invitae), Labcorp
Classification: Uncertain significance. Last evaluated: 2024-10-28. Review status: criteria provided, single submitter. Criteria: Invitae Variant Classification Sherloc (09022015). Collection method: clinical testing. Allele origin: germline.
Comment: This sequence change replaces serine, which is neutral and polar, with cysteine, which is neutral and slightly polar, at codon 23 of the RAB28 protein (p.Ser23Cys). This variant is not present in population databases (gnomAD no frequency). This variant has not been reported in the literature in individuals affected with RAB28-related conditions. ClinVar contains an entry for this variant (Variation ID: 1383691). An algorithm developed to predict the effect of missense changes on protein structure and function (PolyPhen-2) suggests that this variant is likely to be tolerated. In summary, the available evidence is currently insufficient to determine the role of this variant in disease. Therefore, it has been classified as a Variant of Uncertain Significance.

NM_001017979.3(RAB28):c.68C>G (p.Ser23Cys)

Genes: RAB28 (RAB28, member RAS oncogene family; minus strand), LOC111828517 (Sharpr-MPRA regulatory regions 1971 and 3941; plus strand). Cytogenetic location: 4p15.33.
Variant type: single nucleotide variant.
Coding change: c.68C>G on transcript NM_001017979.3 (MANE Select); coding-DNA position 68, C replaced by G.
Protein change: p.Ser23Cys; replaces serine 23 with cysteine.
Molecular consequence: missense variant.
Genome position (GRCh38, 1-based): chr4:13,484,083, G>C on the plus strand (C>G on the coding strand, the complement: RAB28 is on the minus strand). VCF-style: chr4-13484083-G-C. GRCh37 (hg19) VCF-style: chr4-13485707-G-C.
Other names: c.68C>G, p.Ser23Cys (NM_001159601.2, NM_004249.4); short protein forms S23C.
Identifiers: ClinVar variation 1383691 (VCV001383691.6), dbSNP rs769199865, ClinGen allele CA356375138.
Genomic context (GRCh38, chr4:13,484,083, plus strand): 5'-GGACCGCCGGGGTTCCTGCAGGCCTGGGACGGCGGGCCTGCTCGAGGACTGACCTTCCCG[G>C]AGGCGCCGTCCCCCAGCACGACGATTTTCAGTTGCCGGTCCTGGCTCTCCTCCTCAGAGT-3'
Protein context (NP_001017979.1, residues 13-33): LKIVVLGDGA[Ser23Cys]GKTSLTTCFA